The following is an entry in ClinVar:

NM_000489.6(ATRX):c.1910A>G (p.Glu637Gly)

Gene: ATRX (ATRX chromatin remodeler; minus strand). Cytogenetic location: Xq21.1.
Variant type: single nucleotide variant.
Coding change: c.1910A>G on transcript NM_000489.6 (MANE Select); coding-DNA position 1910, A replaced by G.
Protein change: p.Glu637Gly; replaces glutamic acid 637 with glycine.
Molecular consequence: missense variant.
Genome position (GRCh38, 1-based): chrX:77,683,346, T>C on the plus strand (A>G on the coding strand, the complement: ATRX is on the minus strand). VCF-style: chrX-77683346-T-C. GRCh37 (hg19) VCF-style: chrX-76938838-T-C.
Other names: c.1796A>G, p.Glu599Gly (NM_138270.5); short protein forms E599G, E637G.
Identifiers: ClinVar variation 952265 (VCV000952265.8), dbSNP rs2071360128, ClinGen allele CA413715549.

ClinVar aggregate classification (germline): Uncertain significance. Review status: criteria provided, single submitter (1 of 4 stars). 2 submissions from 2 submitters: Uncertain significance (1). 1 of the submissions does not count toward it. Last evaluated 2021-09-01.

Conditions:
Alpha thalassemia-X-linked intellectual disability syndrome (ATRX). Also called: ALPHA-THALASSEMIA/MENTAL RETARDATION SYNDROME, X-LINKED; ATR, NONDELETION TYPE; ATR-X syndrome; Alpha thalassemia mental retardation syndrome, nondeletion type, X-linked; XLMR hypotonic face syndrome; X-linked alpha-thalassemia-mental retardation syndrome. Identifiers: Orphanet 847, MedGen C1845055, MONDO:0010519, OMIM 301040.

Allele frequency attached by ClinVar (database versions not stated): gnomAD exomes 0.00001.
gnomAD v4.1: 3 of 1,211,332 alleles (0.00025%); highest among the groups gnomAD compares: Non-Finnish European, 0.00034%; no homozygotes.

Submissions (2):

Labcorp Genetics (formerly Invitae), Labcorp
Classification: Uncertain significance for Alpha thalassemia-X-linked intellectual disability syndrome. Last evaluated: 2021-09-01. Review status: criteria provided, single submitter. Criteria: Invitae Variant Classification Sherloc (09022015). Collection method: clinical testing. Allele origin: germline.
Comment: This sequence change replaces glutamic acid with glycine at codon 637 of the ATRX protein (p.Glu637Gly). The glutamic acid residue is moderately conserved and there is a moderate physicochemical difference between glutamic acid and glycine. This variant is not present in population databases (ExAC no frequency). This variant has not been reported in the literature in individuals affected with ATRX-related conditions. Algorithms developed to predict the effect of missense changes on protein structure and function output the following: SIFT: "Deleterious"; PolyPhen-2: "Benign"; Align-GVGD: "Class C0". The glycine amino acid residue is found in multiple mammalian species, which suggests that this missense change does not adversely affect protein function. In summary, the available evidence is currently insufficient to determine the role of this variant in disease. Therefore, it has been classified as a Variant of Uncertain Significance.

Natera, Inc.
Classification: Uncertain significance for X-linked alpha-thalassemia-mental retardation syndrome. Last evaluated: 2021-01-22. Review status: no assertion criteria provided. Collection method: clinical testing. Allele origin: germline. Not counted in ClinVar's aggregate classification.